The following is an entry in ClinVar:

ClinVar aggregate classification (germline): Uncertain significance. Review status: criteria provided, multiple submitters, no conflicts (2 of 4 stars). 3 submissions from 3 submitters: Uncertain significance (3). Last evaluated 2026-01-06.

Conditions:
TBX1-related disorder. Also called: TBX1-Related Disorders; TBX1-related condition.
DiGeorge syndrome. Also called: THIRD AND FOURTH PHARYNGEAL POUCH SYNDROME; Catch22. Identifiers: Orphanet 567, MedGen C0012236, MONDO:0008564, OMIM 188400.

gnomAD v4.1: 7 of 1,341,666 alleles (0.00052%); highest among the groups gnomAD compares: Non-Finnish European, 0.00067%; no homozygotes.

Submissions (3):

PreventionGenetics, part of Exact Sciences
Classification: Uncertain significance for TBX1-related condition. Last evaluated: 2026-01-06. Review status: criteria provided, single submitter. Criteria: ACMG Guidelines, 2015. Collection method: clinical testing. Allele origin: germline.
Comment: The TBX1 c.1151C>G variant is predicted to result in the amino acid substitution p.Pro384Arg. To our knowledge, this variant has not been reported in the literature or in a large population database (gnomAD), indicating this variant is rare. At this time, the clinical significance of this variant is uncertain due to the absence of conclusive functional and genetic evidence.

Revvity Omics, Revvity
Classification: Uncertain significance. Last evaluated: 2024-10-18. Review status: criteria provided, single submitter. Criteria: ACMG Guidelines, 2015. Collection method: clinical testing. Allele origin: germline.

Labcorp Genetics (formerly Invitae), Labcorp
Classification: Uncertain significance for DiGeorge syndrome. Last evaluated: 2023-05-25. Review status: criteria provided, single submitter. Criteria: Invitae Variant Classification Sherloc (09022015). Collection method: clinical testing. Allele origin: germline.
Comment: An algorithm developed to predict the effect of missense changes on protein structure and function (PolyPhen-2) suggests that this variant is likely to be tolerated. In summary, the available evidence is currently insufficient to determine the role of this variant in disease. Therefore, it has been classified as a Variant of Uncertain Significance. This variant has not been reported in the literature in individuals affected with TBX1-related conditions. This variant is not present in population databases (gnomAD no frequency). This sequence change replaces proline, which is neutral and non-polar, with arginine, which is basic and polar, at codon 384 of the TBX1 protein (p.Pro384Arg).

NM_001379200.1(TBX1):c.1178C>G (p.Pro393Arg)

Gene: TBX1 (T-box transcription factor 1; plus strand). Cytogenetic location: 22q11.21.
Variant type: single nucleotide variant.
Coding change: c.1178C>G on transcript NM_001379200.1 (MANE Select); coding-DNA position 1178, C replaced by G.
Protein change: p.Pro393Arg; replaces proline 393 with arginine.
Molecular consequence: missense variant. On other transcripts: intron variant (2).
Genome position (GRCh38, 1-based): chr22:19,766,530, C>G. VCF-style: chr22-19766530-C-G. GRCh37 (hg19) VCF-style: chr22-19754053-C-G.
Other names: c.1151C>G, p.Pro384Arg (NM_080647.1); c.1009+528C>G (NM_005992.1, NM_080646.2); short protein forms P384R, P393R.
Identifiers: ClinVar variation 2738051 (VCV002738051.5), dbSNP rs918788695, ClinGen allele CA410684414.